The following is an entry in ClinVar:

NM_005502.4(ABCA1):c.5852G>A (p.Gly1951Glu)

Gene: ABCA1 (ATP binding cassette subfamily A member 1; minus strand). Cytogenetic location: 9q31.1.
Variant type: single nucleotide variant.
Coding change: c.5852G>A on transcript NM_005502.4 (MANE Select); coding-DNA position 5852, G replaced by A.
Protein change: p.Gly1951Glu; replaces glycine 1951 with glutamic acid.
Molecular consequence: missense variant.
Genome position (GRCh38, 1-based): chr9:104,790,997, C>T on the plus strand (G>A on the coding strand, the complement: ABCA1 is on the minus strand). VCF-style: chr9-104790997-C-T. GRCh37 (hg19) VCF-style: chr9-107553278-C-T.
Other names: short protein forms G1951E.
Identifiers: ClinVar variation 2000944 (VCV002000944.4), dbSNP rs767194623, ClinGen allele CA5167703.
Genomic context (GRCh38, chr9:104,790,997, plus strand): 5'-AAAGCATCTCCTCTGGTAACAGTGGTATCTCCTGTTAACATCTTGAAAGTTGATGATTTT[C>T]CAGCCCCATTAACTCCCAGGAGCCCAAAGCACTGAAAAGGAAAGATTAAGTTGTATAAGC-3'
Protein context (NP_005493.2, residues 1941-1961): CFGLLGVNGA[Gly1951Glu]KSSTFKMLTG

ClinVar aggregate classification (germline): Uncertain significance (1 of 4 stars; one submission).

Allele frequency attached by ClinVar (database versions not stated): gnomAD exomes below 0.00001; ExAC 0.00001.

Submission:

Labcorp Genetics (formerly Invitae), Labcorp
Classification: Uncertain significance. Last evaluated: 2022-05-30. Review status: criteria provided, single submitter. Criteria: Invitae Variant Classification Sherloc (09022015). Collection method: clinical testing. Allele origin: germline.
Comment: Advanced modeling of protein sequence and biophysical properties (such as structural, functional, and spatial information, amino acid conservation, physicochemical variation, residue mobility, and thermodynamic stability) performed at Invitae indicates that this missense variant is expected to disrupt ABCA1 protein function. In summary, the available evidence is currently insufficient to determine the role of this variant in disease. Therefore, it has been classified as a Variant of Uncertain Significance. This variant has not been reported in the literature in individuals affected with ABCA1-related conditions. This variant is present in population databases (rs767194623, gnomAD 0.007%). This sequence change replaces glycine, which is neutral and non-polar, with glutamic acid, which is acidic and polar, at codon 1951 of the ABCA1 protein (p.Gly1951Glu).